The following is an entry in ClinVar:

NM_001849.4(COL6A2):c.981C>T (p.Asn327=)

Gene: COL6A2 (collagen type VI alpha 2 chain; plus strand). Cytogenetic location: 21q22.3.
Variant type: single nucleotide variant.
Coding change: c.981C>T on transcript NM_001849.4 (MANE Select); coding-DNA position 981, C replaced by T.
Protein change: p.Asn327=; no amino-acid change (asparagine 327 retained).
Molecular consequence: synonymous variant.
Genome position (GRCh38, 1-based): chr21:46,116,796, C>T. VCF-style: chr21-46116796-C-T. GRCh37 (hg19) VCF-style: chr21-47536710-C-T.
Other names: c.981C>T, p.Asn327= (NM_058174.3, NM_058175.3).
Identifiers: ClinVar variation 284942 (VCV000284942.48), dbSNP rs768836349, ClinGen allele CA10071599.

ClinVar aggregate classification (germline): Conflicting classifications of pathogenicity. Review status: criteria provided, conflicting classifications (1 of 4 stars). 4 submissions from 4 submitters: Uncertain significance (1); Likely benign (3). Last evaluated 2025-10-18.

Conditions:
COL6A2-related disorder.
Bethlem myopathy 1A. Also called: Bethlem myopathy 1; Bethlem Muscular Dystrophy; MYOPATHY, BENIGN CONGENITAL, WITH CONTRACTURES. Identifiers: Orphanet 610, MedGen CN029274, MONDO:0024530, OMIM 158810.

Allele frequency attached by ClinVar (database versions not stated): gnomAD 0.00007; ExAC 0.00024; TOPMed 0.00025.
gnomAD v4.1: 231 of 1,612,834 alleles (0.014%); highest among the groups gnomAD compares: Admixed American, 0.16%; 2 homozygotes.

Submissions (4):

Labcorp Genetics (formerly Invitae), Labcorp
Classification: Likely benign for Bethlem myopathy 1A. Last evaluated: 2025-10-18. Review status: criteria provided, single submitter. Criteria: Invitae Variant Classification Sherloc (09022015). Collection method: clinical testing. Allele origin: germline.

PreventionGenetics, part of Exact Sciences
Classification: Likely benign for COL6A2-related condition. Last evaluated: 2025-08-06. Review status: criteria provided, single submitter. Criteria: ACMG Guidelines, 2015. Collection method: clinical testing. Allele origin: germline.
Comment: This variant is classified as likely benign based on ACMG/AMP sequence variant interpretation guidelines (Richards et al. 2015 PMID: 25741868, with internal and published modifications).

CeGaT Center for Human Genetics Tuebingen
Classification: Likely benign. Last evaluated: 2023-03-01. Review status: criteria provided, single submitter. Criteria: CeGaT Center For Human Genetics Tuebingen Variant Classification Criteria Version 2. Collection method: clinical testing. Allele origin: germline. Affected: yes. Observed: 1 variant allele.
Comment: COL6A2: BP4, BP7

Eurofins Ntd Llc (ga)
Classification: Uncertain significance. Last evaluated: 2018-08-30. Review status: criteria provided, single submitter. Criteria: EGL ClinVar v180209 classification definitions. Collection method: clinical testing. Allele origin: germline. Observed: 3 variant alleles, 3 heterozygotes.